The following is an entry in ClinVar:

NM_016529.6(ATP8A2):c.2818A>T (p.Met940Leu)

Gene: ATP8A2 (ATPase phospholipid transporting 8A2). Cytogenetic location: 13q12.13.
Variant type: single nucleotide variant.
Coding change: c.2818A>T on transcript NM_016529.6 (MANE Select); coding-DNA position 2818, A replaced by T.
Protein change: p.Met940Leu; replaces methionine 940 with leucine.
Molecular consequence: missense variant.
Genome position (GRCh38, 1-based): chr13:25,837,226, A>T. VCF-style: chr13-25837226-A-T. GRCh37 (hg19) VCF-style: chr13-26411364-A-T.
Other names: c.2623A>T, p.Met875Leu (NM_001313741.1); c.2743A>T, p.Met915Leu (NM_001411005.1); c.2818A>T, p.Met940Leu (NM_001411006.1); short protein forms M915L, M875L, M940L.
Identifiers: ClinVar variation 1899964 (VCV001899964.5), dbSNP rs371095109, ClinGen allele CA387682880.
Genomic context (GRCh38, chr13:25,837,226, plus strand): 5'-TTCACCGCTTTGCCGCCCTTCACTCTGGGAATCTTTGAGAGGTCTTGCACTCAGGAGAGC[A>T]TGCTCAGGTTTCCCCAGCTCTACAAAATCACCCAGAATGGCGAAGGCTTCAACACAAAGG-3'
Protein context (NP_057613.4, residues 930-950): IFERSCTQES[Met940Leu]LRFPQLYKIT

ClinVar aggregate classification (germline): Uncertain significance (1 of 4 stars; one submission).

gnomAD v4.1: 11 of 1,613,992 alleles (0.00068%); highest among the groups gnomAD compares: Admixed American, 0.017%; no homozygotes.

Submission:

Labcorp Genetics (formerly Invitae), Labcorp
Classification: Uncertain significance. Last evaluated: 2022-07-13. Review status: criteria provided, single submitter. Criteria: Invitae Variant Classification Sherloc (09022015). Collection method: clinical testing. Allele origin: germline.
Comment: This sequence change replaces methionine, which is neutral and non-polar, with leucine, which is neutral and non-polar, at codon 940 of the ATP8A2 protein (p.Met940Leu). This variant is present in population databases (no rsID available, gnomAD 0.02%). This variant has not been reported in the literature in individuals affected with ATP8A2-related conditions. Algorithms developed to predict the effect of missense changes on protein structure and function (SIFT, PolyPhen-2, Align-GVGD) all suggest that this variant is likely to be tolerated. In summary, the available evidence is currently insufficient to determine the role of this variant in disease. Therefore, it has been classified as a Variant of Uncertain Significance.